The following is an entry in ClinVar:

ClinVar aggregate classification (germline): Benign. Review status: criteria provided, multiple submitters, no conflicts (2 of 4 stars). 5 submissions from 5 submitters: Benign (4). 1 of the submissions does not count toward it. Last evaluated 2026-01-28.

Conditions:
RNF213-related disorder. Also called: RNF213-related condition.

Allele frequency attached by ClinVar (database versions not stated): TOPMed 0.14154; gnomAD exomes 0.15166 and 0.18761; ExAC 0.21712; gnomAD 0.14848 and 0.14870; 1000 Genomes Project 30x 0.11805; ESP Exome Variant Server 0.15455; 1000 Genomes Project 0.11661.
gnomAD v4.1: 287,138 of 1,569,642 alleles (18%); highest among the groups gnomAD compares: Non-Finnish European, 20%; 27,566 homozygotes.

Submissions (5):

Labcorp Genetics (formerly Invitae), Labcorp
Classification: Benign. Last evaluated: 2026-01-28. Review status: criteria provided, single submitter. Criteria: Invitae Variant Classification Sherloc (09022015). Collection method: clinical testing. Allele origin: germline.

Mayo Clinic Laboratories, Mayo Clinic
Classification: Benign. Last evaluated: 2022-04-26. Review status: criteria provided, single submitter. Criteria: ACMG Guidelines, 2015. Collection method: clinical testing. Allele origin: germline. Observed: 74 variant alleles.

GeneDx
Classification: Benign. Last evaluated: 2020-06-24. Review status: criteria provided, single submitter. Criteria: GeneDx Variant Classification Process June 2021. Collection method: clinical testing. Allele origin: germline. Affected: yes.

Breakthrough Genomics
Classification: Benign. Review status: criteria provided, single submitter. Criteria: ACMG Guidelines, 2015. Collection method: not provided. Allele origin: germline. Inheritance: Autosomal dominant inheritance. Affected: yes.

PreventionGenetics, part of Exact Sciences
Classification: Benign for RNF213-related condition. Last evaluated: 2019-11-08. Review status: no assertion criteria provided. Collection method: clinical testing. Allele origin: germline. Not counted in ClinVar's aggregate classification.
Comment: This variant is classified as benign based on ACMG/AMP sequence variant interpretation guidelines (Richards et al. 2015 PMID: 25741868, with internal and published modifications).

NM_001256071.3(RNF213):c.378G>A (p.Pro126=)

Gene: RNF213 (ring finger protein 213; plus strand). Cytogenetic location: 17q25.3.
Variant type: single nucleotide variant.
Coding change: c.378G>A on transcript NM_001256071.3 (MANE Select); coding-DNA position 378, G replaced by A.
Protein change: p.Pro126=; no amino-acid change (proline 126 retained).
Molecular consequence: synonymous variant.
Genome position (GRCh38, 1-based): chr17:80,287,931, G>A. VCF-style: chr17-80287931-G-A. GRCh37 (hg19) VCF-style: chr17-78261730-G-A.
Other names: p.Pro126=; c.378G>A, p.Pro126= (NM_020954.4); c.378G>A (NM_001256071.2).
Identifiers: ClinVar variation 1262197 (VCV001262197.14), dbSNP rs17853714, ClinGen allele CA8819237.